The following is an entry in ClinVar:

NM_001077653.2(TBX20):c.944G>T (p.Arg315Leu)

Gene: TBX20 (T-box transcription factor 20; minus strand). Cytogenetic location: 7p14.2.
Variant type: single nucleotide variant.
Coding change: c.944G>T on transcript NM_001077653.2 (MANE Select); coding-DNA position 944, G replaced by T.
Protein change: p.Arg315Leu; replaces arginine 315 with leucine.
Molecular consequence: missense variant.
Genome position (GRCh38, 1-based): chr7:35,204,529, C>A on the plus strand (G>T on the coding strand, the complement: TBX20 is on the minus strand). VCF-style: chr7-35204529-C-A. GRCh37 (hg19) VCF-style: chr7-35244141-C-A.
Other names: short protein forms R315L.
Identifiers: ClinVar variation 4743029 (VCV004743029.1).

ClinVar aggregate classification (germline): Uncertain significance (1 of 4 stars; one submission).

Submission:

Labcorp Genetics (formerly Invitae), Labcorp
Classification: Uncertain significance. Last evaluated: 2025-06-22. Review status: criteria provided, single submitter. Criteria: Invitae Variant Classification Sherloc (09022015). Collection method: clinical testing. Allele origin: germline.
Comment: This sequence change replaces arginine, which is basic and polar, with leucine, which is neutral and non-polar, at codon 315 of the TBX20 protein (p.Arg315Leu). This variant is not present in population databases (gnomAD no frequency). This variant has not been reported in the literature in individuals affected with TBX20-related conditions. Invitae Evidence Modeling of protein sequence and biophysical properties (such as structural, functional, and spatial information, amino acid conservation, physicochemical variation, residue mobility, and thermodynamic stability) indicates that this missense variant is not expected to disrupt TBX20 protein function with a negative predictive value of 80%. In summary, the available evidence is currently insufficient to determine the role of this variant in disease. Therefore, it has been classified as a Variant of Uncertain Significance.